The following is an entry in ClinVar:

ClinVar aggregate classification (germline): Conflicting classifications of pathogenicity. Review status: criteria provided, conflicting classifications (1 of 4 stars). 21 submissions from 20 submitters: Uncertain significance (5); Benign (5); Likely benign (11). Last evaluated 2026-09-01.

Conditions:
APOB-related disorder. Also called: APOB-related disorders; APOB-related condition.
Cardiovascular phenotype. Identifiers: MedGen CN230736.
Familial hypobetalipoproteinemia 1. Also called: Hypobetalipoproteinemia, normotriglyceridemic; Acanthocytosis with hypobetalipoproteinemia; APOB-Related Familial Hypobetalipoproteinemia. Identifiers: MedGen C4551990, MONDO:0014252, OMIM 615558.
Hypercholesterolemia, autosomal dominant, type B (FHCL2). Also called: APOB-Related Familial Hypercholesterolemia, Autosomal Dominant; Familial hypercholesterolemia 2; APOLIPOPROTEIN B-100, FAMILIAL DEFECTIVE; APOLIPOPROTEIN B-100, FAMILIAL LIGAND-DEFECTIVE; Familial Hypercholesterolemia Type B; Hyperlipoproteinemia Type IIb. Identifiers: MedGen C1704417, MONDO:0007751, OMIM 144010.
Familial hypercholesterolemia. Also called: Familial hypercholesterolaemia; Familial hypercholesterolemias. Identifiers: MedGen C0020445, MONDO:0005439.
Hypercholesterolemia, familial, 1. Also called: LDL RECEPTOR DISORDER; Hyperlipoproteinemia Type IIa; HYPER-LOW-DENSITY-LIPOPROTEINEMIA; HYPERCHOLESTEROLEMIC XANTHOMATOSIS, FAMILIAL; Fredrickson type IIa hyperlipoproteinemia; Hyperlipoproteinemia type 2. Identifiers: Orphanet 391665, MedGen C0745103, MONDO:0007750, OMIM 143890.

Allele frequency attached by ClinVar (database versions not stated): 1000 Genomes Project 0.00280; 1000 Genomes Project 30x 0.00281; ESP Exome Variant Server 0.00323; gnomAD 0.00356 and 0.00376; TOPMed 0.00364; ExAC 0.00371; gnomAD exomes 0.00378 and 0.00461.
gnomAD v4.1: 7,337 of 1,614,006 alleles (0.45%); highest among the groups gnomAD compares: Middle Eastern, 0.64%; 28 homozygotes.

Submissions (21):

CeGaT Center for Human Genetics Tuebingen
Classification: Likely benign. Last evaluated: 2026-09-01. Review status: criteria provided, single submitter. Criteria: CeGaT Center For Human Genetics Tuebingen Variant Classification Criteria Version 2. Collection method: clinical testing. Allele origin: germline. Affected: yes. Observed: 51 variant alleles.
Comment: APOB: BP4, BS2

Cambridge Genomics Laboratory, East Genomic Laboratory Hub, NHS Genomic Medicine Service
Classification: Benign for Familial hypercholesterolaemia. Last evaluated: 2026-08-05. Review status: criteria provided, single submitter. Criteria: ACGS Best Practice Guidelines for Variant Classification in Rare Disease 2020. Collection method: clinical testing. Allele origin: germline. Affected: yes.

Labcorp Genetics (formerly Invitae), Labcorp
Classification: Benign for Familial hypobetalipoproteinemia 1; Hypercholesterolemia, autosomal dominant, type B. Last evaluated: 2026-02-04. Review status: criteria provided, single submitter. Criteria: Invitae Variant Classification Sherloc (09022015). Collection method: clinical testing. Allele origin: germline.

PreventionGenetics, part of Exact Sciences
Classification: Uncertain significance for APOB-related condition. Last evaluated: 2025-12-30. Review status: criteria provided, single submitter. Criteria: ACMG Guidelines, 2015. Collection method: clinical testing. Allele origin: germline.
Comment: The APOB c.3383G>A variant is predicted to result in the amino acid substitution p.Arg1128His. This variant has been reported as a variant of uncertain significance in an individual with primary hypocholesterolemia (Blanco-Vaca et al. 2019. PubMed ID: 30782561). In addition, this variant has been identified in three individuals with low lipid levels (Neale et al. 2011. PubMed ID: 21408211). This variant is reported in 0.72% of alleles in individuals of South Asian descent, and in nine homozygotes in gnomAD, which suggests that it may be too common to be a primary cause of disease. This variant has conflicting interpretations regarding its pathogenicity in ClinVar, ranging from benign to likely benign to uncertain significance (Variation ID: 281142). Although we suspect that this variant may be benign, at this time, the clinical significance of this variant is uncertain due to the absence of conclusive functional and genetic evidence.

Mayo Clinic Laboratories, Mayo Clinic
Classification: Likely benign. Last evaluated: 2025-07-23. Review status: criteria provided, single submitter. Criteria: ACMG Guidelines, 2015. Collection method: clinical testing. Allele origin: germline. Observed: 8 variant alleles.
Comment: BP4

Molecular Diagnostic Laboratory for Inherited Cardiovascular Disease, Montreal Heart Institute
Classification: Likely benign. Last evaluated: 2025-04-08. Review status: criteria provided, single submitter. Criteria: ACMG Guidelines, 2015. Collection method: clinical testing. Allele origin: germline. Affected: no.

ARUP Laboratories, Molecular Genetics and Genomics, ARUP Laboratories
Classification: Likely benign. Last evaluated: 2025-03-11. Review status: criteria provided, single submitter. Criteria: ARUP Molecular Germline Variant Investigation Process 2024. Collection method: clinical testing. Allele origin: germline.

Blueprint Genetics
Classification: Likely benign. Last evaluated: 2024-11-22. Review status: criteria provided, single submitter. Criteria: ACMG Guidelines, 2015. Collection method: clinical testing. Allele origin: germline.

Mendelics
Classification: Benign for Hypercholesterolemia, familial, 1. Last evaluated: 2023-08-22. Review status: criteria provided, single submitter. Criteria: Mendelics Assertion Criteria 2019. Collection method: clinical testing. Allele origin: germline.

GENinCode PLC
Classification: Benign for Familial hypercholesterolemia. Last evaluated: 2022-09-26. Review status: criteria provided, single submitter. Criteria: ACMG Guidelines, 2015. Collection method: clinical testing. Allele origin: germline.

Quest Diagnostics Nichols Institute San Juan Capistrano
Classification: Benign. Last evaluated: 2022-06-30. Review status: criteria provided, single submitter. Criteria: Quest Diagnostics criteria. Collection method: clinical testing. Allele origin: unknown.

GeneDx
Classification: Likely benign. Last evaluated: 2021-06-01. Review status: criteria provided, single submitter. Criteria: GeneDx Variant Classification Process June 2021. Collection method: clinical testing. Allele origin: germline. Affected: yes.
Comment: This variant is associated with the following publications: (PMID: 14732481, 28008009, 26332594, 21408211, 27153395, 20981092, 30782561, 31150472, 26582918)

Broad Center for Mendelian Genomics, Broad Institute of MIT and Harvard
Classification: Likely benign for Hypercholesterolemia, autosomal dominant, type B. Last evaluated: 2020-01-22. Review status: criteria provided, single submitter. Criteria: ACMG Guidelines, 2015. Collection method: curation. Allele origin: germline. Inheritance: Autosomal dominant inheritance.
Comment: The p.Arg1128His variant in APOB has been reported in 2 Caucasian individuals suspected to have familial hypercholesterolemia (DOI: 10.1016/S0735-1097(18)32309-X), and has been identified in 0.7219% (221/30614) of South Asian chromosomes, including 6 homozygotes, 0.4949% (639/129122) of European (non-Finnish) chromosomes, including 3 homozygotes, and 0.3753% (133/35438) of Latino chromosomes by the Genome Aggregation Database (gnomAD; dbSNP rs12713843). This variant has also been reported in ClinVar as a VUS, likely benign, and benign variant (Variation ID: 281142). Computational prediction tools, including splice predictors, and conservation analyses suggest that this variant may not impact the protein, though this information is not predictive enough to rule out pathogenicity. In summary, although additional studies are required to fully establish its clinical significance, this variant is likely benign. ACMG/AMP Criteria applied: BS1, BP4 (Richards 2015).

Ambry Genetics
Classification: Likely benign for Cardiovascular phenotype. Last evaluated: 2018-10-18. Review status: criteria provided, single submitter. Criteria: Ambry Variant Classification Scheme 2023. Collection method: clinical testing. Allele origin: germline.

Illumina Laboratory Services, Illumina
Classification: Uncertain significance for Hypercholesterolemia, autosomal dominant, type B. Last evaluated: 2018-05-18. Review status: criteria provided, single submitter. Criteria: ICSL Variant Classification Criteria 13 December 2019. Collection method: clinical testing. Allele origin: germline.

Robarts Research Institute, Western University
Classification: Likely benign for Hypercholesterolemia, familial, 1. Last evaluated: 2018-01-02. Review status: criteria provided, single submitter. Criteria: ACMG Guidelines, 2015. Collection method: clinical testing. Allele origin: germline. Inheritance: Autosomal dominant inheritance. Affected: yes.

Phosphorus, Inc.
Classification: Uncertain significance for Hypercholesterolemia, autosomal dominant, type B. Last evaluated: 2017-08-01. Review status: criteria provided, single submitter. Criteria: ACMG Guidelines, 2015. Collection method: clinical testing. Allele origin: germline. Observed: 1 variant allele.

Phosphorus, Inc.
Classification: Uncertain significance for Familial hypobetalipoproteinemia 1. Last evaluated: 2017-08-01. Review status: criteria provided, single submitter. Criteria: ACMG Guidelines, 2015. Collection method: clinical testing. Allele origin: germline. Observed: 1 variant allele.

Color Diagnostics, LLC DBA Color Health
Classification: Likely benign for Familial hypercholesterolemia. Last evaluated: 2017-06-26. Review status: criteria provided, single submitter. Criteria: ACMG Guidelines, 2015. Collection method: clinical testing. Allele origin: germline.

Laboratory for Molecular Medicine, Mass General Brigham Personalized Medicine
Classification: Likely benign. Last evaluated: 2016-03-28. Review status: criteria provided, single submitter. Criteria: LMM Criteria. Collection method: clinical testing. Allele origin: germline.
Comment: Variant identified in a genome or exome case(s) and assessed due to predicted null impact of the variant or pathogenic assertions in the literature or databases. Disclaimer: This variant has not undergone full assessment. The following are preliminary notes: ExAC: 0.7% (116/16506) South Asian chromosomes

Eurofins Ntd Llc (ga)
Classification: Uncertain significance. Last evaluated: 2015-08-27. Review status: criteria provided, single submitter. Criteria: EGL Classification Definitions 2015. Collection method: clinical testing. Allele origin: germline. Observed: 4 variant alleles, 4 heterozygotes.

Literature cited by the submitters: PubMed 20981092 (cited by Mayo Clinic Laboratories, Mayo Clinic and Ambry Genetics); PubMed 30782561 (cited by Quest Diagnostics Nichols Institute San Juan Capistrano); PubMed 31150472 (cited by Quest Diagnostics Nichols Institute San Juan Capistrano); PubMed 14732481 (cited by Quest Diagnostics Nichols Institute San Juan Capistrano); PubMed 26332594 (cited by Quest Diagnostics Nichols Institute San Juan Capistrano and Ambry Genetics); PubMed 28008009 (cited by Quest Diagnostics Nichols Institute San Juan Capistrano and Ambry Genetics); PubMed 27153395 (cited by Quest Diagnostics Nichols Institute San Juan Capistrano and Ambry Genetics); PubMed 21408211 (cited by Quest Diagnostics Nichols Institute San Juan Capistrano); PubMed 30270084 (cited by Quest Diagnostics Nichols Institute San Juan Capistrano and Ambry Genetics).

NM_000384.3(APOB):c.3383G>A (p.Arg1128His)

Gene: APOB (apolipoprotein B; minus strand). Cytogenetic location: 2p24.1.
Variant type: single nucleotide variant.
Coding change: c.3383G>A on transcript NM_000384.3 (MANE Select); coding-DNA position 3383, G replaced by A.
Protein change: p.Arg1128His; replaces arginine 1128 with histidine.
Molecular consequence: missense variant.
Genome position (GRCh38, 1-based): chr2:21,015,495, C>T on the plus strand (G>A on the coding strand, the complement: APOB is on the minus strand). VCF-style: chr2-21015495-C-T. GRCh37 (hg19) VCF-style: chr2-21238367-C-T.
Other names: short protein forms R1128H.
Identifiers: ClinVar variation 281142 (VCV000281142.85), dbSNP rs12713843, ClinGen allele CA058710.